The following is an entry in ClinVar:

ClinVar aggregate classification (germline): Uncertain significance (1 of 4 stars; one submission).

gnomAD v4.1: 2 of 1,614,044 alleles (0.00012%); highest among the groups gnomAD compares: Non-Finnish European, 0.000085%; no homozygotes.

Submission:

Labcorp Genetics (formerly Invitae), Labcorp
Classification: Uncertain significance. Last evaluated: 2025-12-02. Review status: criteria provided, single submitter. Criteria: Invitae Variant Classification Sherloc (09022015). Collection method: clinical testing. Allele origin: germline.
Comment: This sequence change replaces serine, which is neutral and polar, with cysteine, which is neutral and slightly polar, at codon 139 of the SLC13A3 protein (p.Ser139Cys). This variant is not present in population databases (gnomAD no frequency). This variant has not been reported in the literature in individuals affected with SLC13A3-related conditions. Invitae Evidence Modeling of protein sequence and biophysical properties (such as structural, functional, and spatial information, amino acid conservation, physicochemical variation, residue mobility, and thermodynamic stability) indicates that this missense variant is expected to disrupt SLC13A3 protein function with a positive predictive value of 80%. In summary, the available evidence is currently insufficient to determine the role of this variant in disease. Therefore, it has been classified as a Variant of Uncertain Significance.

NM_022829.6(SLC13A3):c.416C>G (p.Ser139Cys)

Gene: SLC13A3 (solute carrier family 13 member 3; minus strand). Cytogenetic location: 20q13.12.
Variant type: single nucleotide variant.
Coding change: c.416C>G on transcript NM_022829.6 (MANE Select); coding-DNA position 416, C replaced by G.
Protein change: p.Ser139Cys; replaces serine 139 with cysteine.
Molecular consequence: missense variant.
Genome position (GRCh38, 1-based): chr20:46,610,571, G>C on the plus strand (C>G on the coding strand, the complement: SLC13A3 is on the minus strand). VCF-style: chr20-46610571-G-C. GRCh37 (hg19) VCF-style: chr20-45239210-G-C.
Other names: c.275C>G, p.Ser92Cys (NM_001011554.3, NM_001193340.2); c.416C>G, p.Ser139Cys (NM_001193339.2); c.122C>G, p.Ser41Cys (NM_001193342.2); short protein forms S41C, S139C, S92C.
Identifiers: ClinVar variation 4740036 (VCV004740036.1).